The following is an entry in ClinVar:

NM_000096.4(CP):c.1132G>A (p.Ala378Thr)

Gene: CP (ceruloplasmin; minus strand). Cytogenetic location: 3q25.1.
Variant type: single nucleotide variant.
Coding change: c.1132G>A on transcript NM_000096.4 (MANE Select); coding-DNA position 1132, G replaced by A.
Protein change: p.Ala378Thr; replaces alanine 378 with threonine.
Molecular consequence: missense variant. On other transcripts: non-coding transcript variant (1).
Genome position (GRCh38, 1-based): chr3:149,206,244, C>T on the plus strand (G>A on the coding strand, the complement: CP is on the minus strand). VCF-style: chr3-149206244-C-T. GRCh37 (hg19) VCF-style: chr3-148924031-C-T.
Other names: c.1132G>A (NM_000096.3); short protein forms A378T.
Identifiers: ClinVar variation 1519970 (VCV001519970.8), dbSNP rs141270807, ClinGen allele CA2661133.
Genomic context (GRCh38, chr3:149,206,244, plus strand): 5'-AGTTTTCTTTAGTGAAGATGTCTATACCAGAGGGAGCATAGTTCCAGATGATTTCCTCAG[C>T]GGCAATGTAGTAGTGTCTAACATGCTTCCCACGGATATTATCCTTTGATGAAGACTTGTT-3'
Protein context (NP_000087.2, residues 368-388): GKHVRHYYIA[Ala378Thr]EEIIWNYAPS

ClinVar aggregate classification (germline): Uncertain significance. Review status: criteria provided, multiple submitters, no conflicts (2 of 4 stars). 2 submissions from 2 submitters: Uncertain significance (2). Last evaluated 2025-04-30.

Conditions:
Deficiency of ferroxidase (ACEP). Also called: Aceruloplasminemia; NEURODEGENERATION WITH BRAIN IRON ACCUMULATION 10; Ceruloplasmin deficiency; Familial apoceruloplasmin deficiency; Hereditary ceruloplasmin deficiency; Deficiency of ceruloplasmin. Identifiers: Orphanet 48818, MedGen C0878682, MONDO:0011426, OMIM 604290, HP:0025498.

Allele frequency attached by ClinVar (database versions not stated): TOPMed 0.00004; 1000 Genomes Project 30x 0.00031; gnomAD 0.00009 and 0.00005; gnomAD exomes 0.00009; ESP Exome Variant Server 0.00008; 1000 Genomes Project 0.00040; ExAC 0.00012.
gnomAD v4.1: 57 of 1,613,960 alleles (0.0035%); highest among the groups gnomAD compares: South Asian, 0.032%; no homozygotes.

Submissions (2):

GeneDx
Classification: Uncertain significance. Last evaluated: 2025-04-30. Review status: criteria provided, single submitter. Criteria: GeneDx Variant Classification Process June 2021. Collection method: clinical testing. Allele origin: germline. Affected: yes.
Comment: In silico analysis supports that this missense variant has a deleterious effect on protein structure/function; Has not been previously published as pathogenic or benign to our knowledge; Also known as p.(A359T)

Labcorp Genetics (formerly Invitae), Labcorp
Classification: Uncertain significance for Deficiency of ferroxidase. Last evaluated: 2024-03-12. Review status: criteria provided, single submitter. Criteria: Invitae Variant Classification Sherloc (09022015). Collection method: clinical testing. Allele origin: germline.
Comment: This sequence change replaces alanine, which is neutral and non-polar, with threonine, which is neutral and polar, at codon 378 of the CP protein (p.Ala378Thr). This variant is present in population databases (rs141270807, gnomAD 0.05%). This variant has not been reported in the literature in individuals affected with CP-related conditions. ClinVar contains an entry for this variant (Variation ID: 1519970). Advanced modeling of protein sequence and biophysical properties (such as structural, functional, and spatial information, amino acid conservation, physicochemical variation, residue mobility, and thermodynamic stability) performed at Invitae indicates that this missense variant is expected to disrupt CP protein function with a positive predictive value of 80%. In summary, the available evidence is currently insufficient to determine the role of this variant in disease. Therefore, it has been classified as a Variant of Uncertain Significance.